The following is an entry in ClinVar:

ClinVar aggregate classification (germline): Uncertain significance (1 of 4 stars; one submission).

Conditions:
Neuropathy, hereditary sensory, type 2C. Also called: KIF1A-Related HSAN2 (HSAN2C); Hereditary sensory and autonomic neuropathy type IIC. Identifiers: Orphanet 970, MedGen C3280168, MONDO:0013634, OMIM 614213.
Intellectual disability, autosomal dominant 9 (NESCAVS). Also called: NESCAV SYNDROME; KIF1A-Related Neurodevelopmental Disorder. Identifiers: Orphanet 662367, MedGen C5393830, MONDO:0013656, OMIM 614255.
Hereditary spastic paraplegia 30. Identifiers: Orphanet 101010, MedGen C5235139, MONDO:0012476.

gnomAD v4.1: 2 of 1,608,084 alleles (0.00012%); highest among the groups gnomAD compares: East Asian, 0.0022%; no homozygotes.

Submission:

Labcorp Genetics (formerly Invitae), Labcorp
Classification: Uncertain significance for Hereditary spastic paraplegia 30; Neuropathy, hereditary sensory, type 2C; Intellectual disability, autosomal dominant 9. Last evaluated: 2018-12-10. Review status: criteria provided, single submitter. Criteria: Invitae Variant Classification Sherloc (09022015). Collection method: clinical testing. Allele origin: germline.
Comment: This sequence change replaces alanine with threonine at codon 1500 of the KIF1A protein (p.Ala1500Thr). The alanine residue is moderately conserved and there is a small physicochemical difference between alanine and threonine. This variant is not present in population databases (ExAC no frequency). This variant has not been reported in the literature in individuals with KIF1A-related conditions. Algorithms developed to predict the effect of missense changes on protein structure and function output the following: SIFT: "Tolerated"; PolyPhen-2: "Benign"; Align-GVGD: "Class C0". The threonine amino acid residue is found in multiple mammalian species, suggesting that this missense change does not adversely affect protein function. These predictions have not been confirmed by published functional studies and their clinical significance is uncertain. In summary, the available evidence is currently insufficient to determine the role of this variant in disease. Therefore, it has been classified as a Variant of Uncertain Significance.

NM_001244008.2(KIF1A):c.4801G>A (p.Ala1601Thr)

Gene: KIF1A (kinesin family member 1A; minus strand). Cytogenetic location: 2q37.3.
Variant type: single nucleotide variant.
Coding change: c.4801G>A on transcript NM_001244008.2 (MANE Select); coding-DNA position 4801, G replaced by A.
Protein change: p.Ala1601Thr; replaces alanine 1601 with threonine.
Molecular consequence: missense variant.
Genome position (GRCh38, 1-based): chr2:240,720,981, C>T on the plus strand (G>A on the coding strand, the complement: KIF1A is on the minus strand). VCF-style: chr2-240720981-C-T. GRCh37 (hg19) VCF-style: chr2-241660398-C-T.
Other names: c.4525G>A, p.Ala1509Thr (NM_001320705.2, NM_001379649.1); c.4552G>A, p.Ala1518Thr (NM_001330289.2); c.4600G>A, p.Ala1534Thr (NM_001330290.2, NM_001379648.1); c.4876G>A, p.Ala1626Thr (NM_001379631.1); c.4777G>A, p.Ala1593Thr (NM_001379632.1); c.4774G>A, p.Ala1592Thr (NM_001379633.1, NM_001379645.1); c.4627G>A, p.Ala1543Thr (NM_001379634.1); c.4624G>A, p.Ala1542Thr (NM_001379635.1, NM_001379646.1); and 7 more; short protein forms A1509T, A1518T, A1500T, A1534T, A1601T, A1499T, A1508T, A1517T.
Identifiers: ClinVar variation 652899 (VCV000652899.9), dbSNP rs767196477, ClinGen allele CA351301806.